The following is an entry in ClinVar:

ClinVar aggregate classification (germline): Uncertain significance. Review status: criteria provided, multiple submitters, no conflicts (2 of 4 stars). 2 submissions from 2 submitters: Uncertain significance (2). Last evaluated 2025-03-27.

Submissions (2):

Ambry Genetics
Classification: Uncertain significance. Last evaluated: 2025-03-27. Review status: criteria provided, single submitter. Criteria: Ambry Variant Classification Scheme 2023. Collection method: clinical testing. Allele origin: germline.

Labcorp Genetics (formerly Invitae), Labcorp
Classification: Uncertain significance. Last evaluated: 2021-10-22. Review status: criteria provided, single submitter. Criteria: Invitae Variant Classification Sherloc (09022015). Collection method: clinical testing. Allele origin: germline.
Comment: In summary, the available evidence is currently insufficient to determine the role of this variant in disease. Therefore, it has been classified as a Variant of Uncertain Significance. Algorithms developed to predict the effect of missense changes on protein structure and function are either unavailable or do not agree on the potential impact of this missense change (SIFT: "Not Available"; PolyPhen-2: "Benign"; Align-GVGD: "Not Available"). This variant has not been reported in the literature in individuals affected with IFT88-related conditions. This variant is present in population databases (rs776162848, gnomAD 0.0009%). This sequence change replaces glutamine, which is neutral and polar, with lysine, which is basic and polar, at codon 579 of the IFT88 protein (p.Gln579Lys).

NM_006531.5(IFT88):c.1708C>A (p.Gln570Lys)

Gene: IFT88 (intraflagellar transport 88; plus strand). Cytogenetic location: 13q12.11.
Variant type: single nucleotide variant.
Coding change: c.1708C>A on transcript NM_006531.5 (MANE Select); coding-DNA position 1708, C replaced by A.
Protein change: p.Gln570Lys; replaces glutamine 570 with lysine.
Molecular consequence: missense variant. On other transcripts: non-coding transcript variant (4).
Genome position (GRCh38, 1-based): chr13:20,643,480, C>A. VCF-style: chr13-20643480-C-A. GRCh37 (hg19) VCF-style: chr13-21217619-C-A.
Other names: c.1549C>A, p.Gln517Lys (NM_001353574.2); c.1651C>A, p.Gln551Lys (NM_001353575.2, NM_001318491.2); c.1633C>A, p.Gln545Lys (NM_001353576.2, NM_001353577.2, NM_001353569.2 and 1 more transcripts); c.1606C>A, p.Gln536Lys (NM_001353578.2, NM_001353571.2); c.1075C>A, p.Gln359Lys (NM_001353579.2); c.1735C>A, p.Gln579Lys (NM_175605.5, NM_001318493.2, NM_001353565.2 and 2 more transcripts); c.1708C>A, p.Gln570Lys (NM_001353568.2, NM_001353572.2); c.1564C>A, p.Gln522Lys (NM_001353573.2); and 1 more; short protein forms Q536K, Q545K, Q359K, Q579K, Q517K, Q522K, Q551K, Q570K.
Identifiers: ClinVar variation 1438564 (VCV001438564.7), dbSNP rs776162848, ClinGen allele CA6905519.